The following is an entry in ClinVar:

NM_015065.3(EXPH5):c.5614A>G (p.Thr1872Ala)

Gene: EXPH5 (exophilin 5; minus strand). Cytogenetic location: 11q22.3.
Variant type: single nucleotide variant.
Coding change: c.5614A>G on transcript NM_015065.3 (MANE Select); coding-DNA position 5614, A replaced by G.
Protein change: p.Thr1872Ala; replaces threonine 1872 with alanine.
Molecular consequence: missense variant.
Genome position (GRCh38, 1-based): chr11:108,509,893, T>C on the plus strand (A>G on the coding strand, the complement: EXPH5 is on the minus strand). VCF-style: chr11-108509893-T-C. GRCh37 (hg19) VCF-style: chr11-108380620-T-C.
Other names: c.5386A>G, p.Thr1796Ala (NM_001144763.2); c.5146A>G, p.Thr1716Ala (NM_001144764.2); c.5050A>G, p.Thr1684Ala (NM_001144765.2); c.5593A>G, p.Thr1865Ala (NM_001308019.2); short protein forms T1684A, T1796A, T1865A, T1872A, T1716A.
Identifiers: ClinVar variation 714777 (VCV000714777.10), dbSNP rs143096226, ClinGen allele CA6267297.

ClinVar aggregate classification (germline): Benign. Review status: criteria provided, single submitter (1 of 4 stars). 2 submissions from 2 submitters: Benign (1). 1 of the submissions does not count toward it. Last evaluated 2025-07-08.

Conditions:
EXPH5-related disorder. Also called: EXPH5-related condition.

Allele frequency attached by ClinVar (database versions not stated): ESP Exome Variant Server 0.00169; 1000 Genomes Project 30x 0.00172; TOPMed 0.00175; 1000 Genomes Project 0.00220; gnomAD exomes 0.00388 and 0.00567; gnomAD 0.00463 and 0.00484; ExAC 0.00563.
gnomAD v4.1: 6,284 of 1,607,842 alleles (0.39%); highest among the groups gnomAD compares: Non-Finnish European, 0.31%; 58 homozygotes.

Submissions (2):

Labcorp Genetics (formerly Invitae), Labcorp
Classification: Benign. Last evaluated: 2025-07-08. Review status: criteria provided, single submitter. Criteria: Invitae Variant Classification Sherloc (09022015). Collection method: clinical testing. Allele origin: germline.

PreventionGenetics, part of Exact Sciences
Classification: Likely benign for EXPH5-related condition. Last evaluated: 2024-02-07. Review status: no assertion criteria provided. Collection method: clinical testing. Allele origin: germline. Not counted in ClinVar's aggregate classification.
Comment: This variant is classified as likely benign based on ACMG/AMP sequence variant interpretation guidelines (Richards et al. 2015 PMID: 25741868, with internal and published modifications).